The following is an entry in ClinVar:

ClinVar aggregate classification (germline): Uncertain significance (1 of 4 stars; one submission).

Conditions:
Senior-Loken syndrome 7 (SLSN7). Identifiers: Orphanet 3156, MedGen C3150877, MONDO:0013326, OMIM 613615.
Bardet-Biedl syndrome 16 (BBS16). Identifiers: Orphanet 110, MedGen C3889474, MONDO:0014444, OMIM 615993.

Allele frequency attached by ClinVar (database versions not stated): gnomAD exomes below 0.00001; TOPMed below 0.00001; gnomAD 0.00001.
gnomAD v4.1: 4 of 1,611,838 alleles (0.00025%); highest among the groups gnomAD compares: Non-Finnish European, 0.00034%; no homozygotes.

Submission:

Labcorp Genetics (formerly Invitae), Labcorp
Classification: Uncertain significance for Bardet-Biedl syndrome 16; Senior-Loken syndrome 7. Last evaluated: 2022-04-12. Review status: criteria provided, single submitter. Criteria: Invitae Variant Classification Sherloc (09022015). Collection method: clinical testing. Allele origin: germline.
Comment: In summary, the available evidence is currently insufficient to determine the role of this variant in disease. Therefore, it has been classified as a Variant of Uncertain Significance. Variants that disrupt the consensus splice site are a relatively common cause of aberrant splicing (PMID: 17576681, 9536098). Algorithms developed to predict the effect of sequence changes on RNA splicing suggest that this variant may disrupt the consensus splice site. This variant has not been reported in the literature in individuals affected with SDCCAG8-related conditions. This variant is not present in population databases (gnomAD no frequency). This sequence change affects a donor splice site in intron 17 of the SDCCAG8 gene. While this variant is not anticipated to result in nonsense mediated decay, it likely alters RNA splicing and results in a disrupted protein product.

Literature cited by the submitters: PubMed 17576681; PubMed 9536098.

NM_006642.5(SDCCAG8):c.2112+2T>C

Genes: AKT3 (AKT serine/threonine kinase 3; minus strand), SDCCAG8 (SHH signaling and ciliogenesis regulator SDCCAG8; plus strand). Cytogenetic location: 1q43.
Variant type: single nucleotide variant.
Coding change: c.2112+2T>C on transcript NM_006642.5 (MANE Select); the canonical splice donor site of the intron after coding-DNA position 2112, T replaced by C.
Molecular consequence: splice donor variant. On other transcripts: intron variant (1).
Genome position (GRCh38, 1-based): chr1:243,489,142, T>C. VCF-style: chr1-243489142-T-C. GRCh37 (hg19) VCF-style: chr1-243652444-T-C.
Other names: c.1818+2T>C (NM_001350249.2); c.1209+2T>C (NM_001350251.2, NM_001350246.2, NM_001350247.2); c.2208+2T>C (NM_001350248.2); c.*7-692A>G (NM_181690.2).
Identifiers: ClinVar variation 1967050 (VCV001967050.5), dbSNP rs1382324300, ClinGen allele CA345668230.